The following is an entry in ClinVar:

ClinVar aggregate classification (germline): Conflicting classifications of pathogenicity. Review status: criteria provided, conflicting classifications (1 of 4 stars). 4 submissions from 4 submitters: Uncertain significance (3); Benign (1). Last evaluated 2024-11-18.

Conditions:
Intellectual disability. Also called: Intellectual developmental disorder; Intellectual functioning disability; intellectual disabilities. Identifiers: MedGen C3714756, MeSH D008607, MONDO:0001071, HP:0001249.
Inborn genetic diseases. Identifiers: MedGen C0950123, MeSH D030342.

Allele frequency attached by ClinVar (database versions not stated): TOPMed 0.00013; gnomAD 0.00016 and 0.00017; gnomAD exomes 0.00018; ExAC 0.00022.
gnomAD v4.1: 240 of 1,613,426 alleles (0.015%); highest among the groups gnomAD compares: Admixed American, 0.023%; no homozygotes.

Submissions (4):

Blueprint Genetics
Classification: Uncertain significance. Last evaluated: 2024-11-18. Review status: criteria provided, single submitter. Criteria: ACMG Guidelines, 2015. Collection method: clinical testing. Allele origin: germline.

Ambry Genetics
Classification: Uncertain significance for Inborn genetic diseases. Last evaluated: 2022-02-02. Review status: criteria provided, single submitter. Criteria: Ambry Variant Classification Scheme 2023. Collection method: clinical testing. Allele origin: germline.
Comment: Unlikely to be causative of autosomal dominant ATAD3A-related mitochondrial disorder (AD) Based on insufficient or conflicting evidence, the clinical significance of this alteration remains unclear.

GeneDx
Classification: Uncertain significance. Last evaluated: 2022-01-12. Review status: criteria provided, single submitter. Criteria: GeneDx Variant Classification Process June 2021. Collection method: clinical testing. Allele origin: germline. Affected: yes.
Comment: In silico analysis supports that this missense variant has a deleterious effect on protein structure/function; Identified via exome trio analysis in trans with a frameshift variant in an individual with autism spectrum disorder (Wang et al., 2020); This variant is associated with the following publications: (PMID: 33023636)

Cambridge Genomics Laboratory, East Genomic Laboratory Hub, NHS Genomic Medicine Service
Classification: Benign for Intellectual disability. Last evaluated: 2020-02-07. Review status: criteria provided, single submitter. Criteria: ACGS Best Practice Guidelines for Variant Classification in Rare Disease 2020. Collection method: clinical testing. Allele origin: germline. Affected: yes. Observed: 1 variant allele.

Literature cited by the submitters: PubMed 33023636 (cited by Ambry Genetics).

NM_001170535.3(ATAD3A):c.1670G>A (p.Arg557His)

Gene: ATAD3A (ATPase family AAA domain containing 3A; plus strand). Cytogenetic location: 1p36.33.
Variant type: single nucleotide variant.
Coding change: c.1670G>A on transcript NM_001170535.3 (MANE Select); coding-DNA position 1670, G replaced by A.
Protein change: p.Arg557His; replaces arginine 557 with histidine.
Molecular consequence: missense variant.
Genome position (GRCh38, 1-based): chr1:1,533,981, G>A. VCF-style: chr1-1533981-G-A. GRCh37 (hg19) VCF-style: chr1-1469361-G-A.
Other names: c.1433G>A, p.Arg478His (NM_001170536.3); c.1814G>A, p.Arg605His (NM_018188.5); c.1814G>A (NM_018188.3); short protein forms R478H, R557H, R605H.
Identifiers: ClinVar variation 1700383 (VCV001700383.7), dbSNP rs760598490, ClinGen allele CA526541.